The following is an entry in ClinVar:

NM_181332.3(NLGN4X):c.1182C>T (p.Asp394=)

Gene: NLGN4X (neuroligin 4 X-linked; minus strand). Cytogenetic location: Xp22.32.
Variant type: single nucleotide variant.
Coding change: c.1182C>T on transcript NM_181332.3 (MANE Select); coding-DNA position 1182, C replaced by T.
Protein change: p.Asp394=; no amino-acid change (aspartic acid 394 retained).
Molecular consequence: synonymous variant.
Genome position (GRCh38, 1-based): chrX:5,903,496, G>A on the plus strand (C>T on the coding strand, the complement: NLGN4X is on the minus strand). VCF-style: chrX-5903496-G-A. GRCh37 (hg19) VCF-style: chrX-5821537-G-A.
Other names: c.1182C>T, p.Asp394= (NM_001282145.2, NM_001282146.2, NM_001441322.1 and 4 more transcripts).
Identifiers: ClinVar variation 4813272 (VCV004813272.1).

ClinVar aggregate classification (germline): Uncertain significance (1 of 4 stars; one submission).

Conditions:
Autism, susceptibility to, X-linked 2 (AUTSX2). Also called: Autism susceptibility, X-linked 2. Identifiers: MedGen C1845539, MONDO:0010341, OMIM 300495.

Submission:

Ozbek Human Genetics Laboratory, Izmir Biomedicine and Genome Center
Classification: Uncertain significance for Autism, susceptibility to, X-linked 2. Last evaluated: 2025-10-20. Review status: criteria provided, single submitter. Criteria: ACMG Guidelines, 2015. Collection method: research. Allele origin: maternal. Inheritance: X-linked inheritance. Affected: yes. Observed: 1 variant allele, 1 hemizygote.
Comment: A hemizygous c.1182C>T synonymous variant was detected in exon 5 of the NLGN4X gene (NM_181332.3). This variant is very rarely observed in population databases (PM2). It is a non-coding or synonymous variant with no predicted effect on splicing (BP7); however, Human Splicing Finder indicates the variant disrupts the exonic enhancer motif CTTTGA. Further testing is recommended to confirm the effect on splicing. Based on this information, the variant is classified as a Variant of Uncertain Significance (VUS) according to ACMG criteria. The NLGN4X gene is associated with "Autism susceptibility, X-linked 2" and "Intellectual developmental disorder, X-linked" in the OMIM database. Data obtained via the RAREBOOST project (Horizon 2020 ERA Chairs at Izmir Biomedicine and Genome Center - IBG)